The following is an entry in ClinVar:

ClinVar aggregate classification (germline): Pathogenic/Likely pathogenic. Review status: criteria provided, multiple submitters, no conflicts (2 of 4 stars). 5 submissions from 5 submitters: Pathogenic (3); Likely pathogenic (2). Last evaluated 2025-09-24.

Conditions:
OTOG-related disorder. Also called: OTOG-related condition.
Rare genetic deafness. Identifiers: Orphanet 96210, MedGen C5680250.
Autosomal recessive nonsyndromic hearing loss 18B. Also called: Deafness, autosomal recessive 18b. Identifiers: Orphanet 90636, MedGen C3554163, MONDO:0013985, OMIM 614945.

Submissions (5):

GeneDx
Classification: Likely pathogenic. Last evaluated: 2025-09-24. Review status: criteria provided, single submitter. Criteria: GeneDx Variant Classification Process June 2021. Collection method: clinical testing. Allele origin: germline. Affected: yes.
Comment: Nonsense variant predicted to result in protein truncation or nonsense mediated decay in a gene for which loss of function is a known mechanism of disease; Has not been previously published as pathogenic or benign to our knowledge

3billion
Classification: Pathogenic for Autosomal recessive nonsyndromic hearing loss 18B. Last evaluated: 2025-07-19. Review status: criteria provided, single submitter. Criteria: ACMG Guidelines, 2015. Collection method: clinical testing. Allele origin: germline. Affected: yes.
Comment: The variant is observed at an extremely low frequency in the gnomAD v4.1.0 dataset (total allele frequency: 0.001%). Predicted Consequence/Location: Stop-gained (nonsense): predicted to result in a loss or disruption of normal protein function through nonsense-mediated decay (NMD) or protein truncation. Multiple pathogenic variants are reported downstream of the variant. The variant has been reported at least twice as pathogenic with clinical assertions and evidence for the classification (ClinVar ID: VCV000228283 /3billion dataset). Therefore, this variant is classified as Pathogenic according to the recommendation of ACMG/AMP guideline.

Labcorp Genetics (formerly Invitae), Labcorp
Classification: Pathogenic. Last evaluated: 2025-07-08. Review status: criteria provided, single submitter. Criteria: Invitae Variant Classification Sherloc (09022015). Collection method: clinical testing. Allele origin: germline.
Comment: This sequence change creates a premature translational stop signal (p.Tyr830*) in the OTOG gene. It is expected to result in an absent or disrupted protein product. Loss-of-function variants in OTOG are known to be pathogenic (PMID: 23122587). This variant is present in population databases (no rsID available, gnomAD 0.05%). This variant has not been reported in the literature in individuals affected with OTOG-related conditions. ClinVar contains an entry for this variant (Variation ID: 228283). For these reasons, this variant has been classified as Pathogenic.

Blueprint Genetics
Classification: Pathogenic for OTOG-related disorders. Last evaluated: 2022-08-18. Review status: criteria provided, single submitter. Criteria: ACMG Guidelines, 2015. Collection method: clinical testing. Allele origin: germline. Affected: yes. Observed: 1 variant allele.

Laboratory for Molecular Medicine, Mass General Brigham Personalized Medicine
Classification: Likely pathogenic for Rare genetic deafness. Last evaluated: 2016-01-03. Review status: criteria provided, single submitter. Criteria: LMM Criteria. Collection method: clinical testing. Allele origin: germline. Inheritance: Autosomal recessive inheritance. Observed: 2 variant alleles.
Comment: This variant has not been identified in large population studies, though the ability of these studies to accurately detect insertions or deletions may be limited. T his variant creates a premature termination codon at position 830, which is pred icted to lead to a truncated or absent protein. Two loss of function variants in the OTOG gene have been reported to segregate with hearing loss in two families (Schraders 2012), and disruption of Otog in mice resulted in deafness supportin g of a loss-of-function mechanism for the disease (Simmler 2000). In summary, al though additional evidence is required to strengthen the gene-disease associatio n for OTOG and hearing loss, the p.Tyr830 variant is likely pathogenic based on its predicted impact on the protein and our currently knowledge of the gene.

Literature cited by the submitters: PubMed 23122587 (cited by Labcorp Genetics (formerly Invitae), Labcorp and Laboratory for Molecular Medicine, Mass General Brigham Personalized Medicine); PubMed 10655058 (cited by Laboratory for Molecular Medicine, Mass General Brigham Personalized Medicine).

NM_001292063.2(OTOG):c.2453_2454insACTGGACACCCA (p.Tyr818Ter)

Gene: OTOG (otogelin; plus strand). Cytogenetic location: 11p15.1.
Variant type: Insertion.
Coding change: c.2453_2454insACTGGACACCCA on transcript NM_001292063.2 (MANE Select); coding-DNA positions 2453 to 2454, ACTGGACACCCA inserted.
Protein change: p.Tyr818Ter; replaces tyrosine 818 with a stop codon.
Molecular consequence: nonsense.
Genome position: GRCh38 VCF-style: chr11-17574878-T-TAACTGGACACCC. GRCh37 (hg19) VCF-style: chr11-17596425-T-TAACTGGACACCC.
Other names: c.2489_2490insACTGGACACCCA, p.Tyr830Ter (NM_001277269.2); short protein forms Y818*, Y830*.
Identifiers: ClinVar variation 228283 (VCV000228283.21), dbSNP rs876657656, ClinGen allele CA10576860.